The following is an entry in ClinVar:

ClinVar aggregate classification (germline): Uncertain significance (1 of 4 stars; one submission).

Submission:

GeneDx
Classification: Uncertain significance. Last evaluated: 2024-09-30. Review status: criteria provided, single submitter. Criteria: GeneDx Variant Classification Process June 2021. Collection method: clinical testing. Allele origin: germline. Affected: yes.
Comment: Not observed at significant frequency in large population cohorts (gnomAD); In-frame deletion of 1 amino acid in a non-repeat region; In silico analysis supports a deleterious effect on protein structure/function; Has not been previously published as pathogenic or benign to our knowledge

NM_001318852.2(MAPK8IP3):c.2390TGG[1] (p.Val798del)

Gene: MAPK8IP3 (mitogen-activated protein kinase 8 interacting protein 3; plus strand). Cytogenetic location: 16p13.3.
Variant type: Microsatellite.
Coding change: c.2390TGG[1] on transcript NM_001318852.2 (MANE Select); one copy of the 3-base unit TGG starting at c.2390; the reference has two copies in a row; one copy, 3 bases deleted.
Protein change: p.Val798del; deletes valine 798.
Genome position (GRCh38, 1-based): chr16:1,765,125-1,765,127, TGG deleted; deleting any 3 consecutive bases within chr16:1,765,120-1,765,127 gives the same sequence; the position shown is the placement nearest the transcript's 3' end. VCF-style (leftmost placement, unchanged base first): chr16-1765119-CGGT-C. GRCh37 (hg19) VCF-style: chr16-1815120-CGGT-C.
Other names: c.2369TGG[1], p.Val791del (NM_001040439.2); c.2387TGG[1], p.Val797del (NM_015133.5); short protein forms V791del, V797del, V798del.
Identifiers: ClinVar variation 3774794 (VCV003774794.1).